The following is an entry in ClinVar:

NM_001625.4(AK2):c.94G>A (p.Ala32Thr)

Gene: AK2 (adenylate kinase 2; minus strand). Cytogenetic location: 1p35.1.
Variant type: single nucleotide variant.
Coding change: c.94G>A on transcript NM_001625.4 (MANE Select); coding-DNA position 94, G replaced by A.
Protein change: p.Ala32Thr; replaces alanine 32 with threonine.
Molecular consequence: missense variant. On other transcripts: 5 prime UTR variant (2), non-coding transcript variant (1), intron variant (1).
Genome position (GRCh38, 1-based): chr1:33,024,567, C>T on the plus strand (G>A on the coding strand, the complement: AK2 is on the minus strand). VCF-style: chr1-33024567-C-T. GRCh37 (hg19) VCF-style: chr1-33490168-C-T.
Other names: c.94G>A, p.Ala32Thr (NM_001199199.3, NM_001319141.3, NM_001319143.2 and 1 more transcripts); c.-51G>A (NM_001319139.3, NM_001319140.2); c.94-2864G>A (NM_001319142.3); short protein forms A32T.
Identifiers: ClinVar variation 660097 (VCV000660097.8), dbSNP rs779260498, ClinGen allele CA747248.
Genomic context (GRCh38, chr1:33,024,567, plus strand): 5'-CCCTCAGCATGTCCCCAGTAGCTAAATGGCAGACACAGAAGTTTTCAGCCAATCTGGGTG[C>T]CTACAGAGAGGAAGACAAAAACCAAGATTCAATTACATTACAGGCTGTGGAGTCAGACTG-3'
Protein context (NP_001616.1, residues 22-42): GPPGAGKGTQ[Ala32Thr]PRLAENFCVC

ClinVar aggregate classification (germline): Uncertain significance. Review status: criteria provided, multiple submitters, no conflicts (2 of 4 stars). 2 submissions from 2 submitters: Uncertain significance (2). Last evaluated 2025-06-07.

Conditions:
Inborn genetic diseases. Identifiers: MedGen C0950123, MeSH D030342.
Reticular dysgenesis. Also called: ALEUKOCYTOSIS; CONGENITAL ALEUKIA; HEMATOPOIETIC HYPOPLASIA, GENERALIZED; RETICULAR DYSGENESIA; SEVERE COMBINED IMMUNODEFICIENCY WITH LEUKOPENIA; DeVaal disease. Identifiers: Orphanet 33355, MedGen C0272167, MONDO:0009973, OMIM 267500.

Allele frequency attached by ClinVar (database versions not stated): gnomAD 0.00002; TOPMed 0.00001; gnomAD exomes 0.00001 and 0.00004; ExAC 0.00007.

Submissions (2):

Ambry Genetics
Classification: Uncertain significance for Inborn genetic diseases. Last evaluated: 2025-06-07. Review status: criteria provided, single submitter. Criteria: Ambry Variant Classification Scheme 2023. Collection method: clinical testing. Allele origin: germline.

Labcorp Genetics (formerly Invitae), Labcorp
Classification: Uncertain significance for Reticular dysgenesis. Last evaluated: 2021-09-01. Review status: criteria provided, single submitter. Criteria: Invitae Variant Classification Sherloc (09022015). Collection method: clinical testing. Allele origin: germline.
Comment: This sequence change replaces alanine with threonine at codon 32 of the AK2 protein (p.Ala32Thr). The alanine residue is highly conserved and there is a small physicochemical difference between alanine and threonine. This variant is present in population databases (rs779260498, ExAC 0.1%). This variant has not been reported in the literature in individuals affected with AK2-related conditions. Algorithms developed to predict the effect of missense changes on protein structure and function (SIFT, PolyPhen-2, Align-GVGD) all suggest that this variant is likely to be disruptive. In summary, the available evidence is currently insufficient to determine the role of this variant in disease. Therefore, it has been classified as a Variant of Uncertain Significance.